The following is an entry in ClinVar:

ClinVar aggregate classification (germline): Conflicting classifications of pathogenicity. Review status: criteria provided, conflicting classifications (1 of 4 stars). 2 submissions from 2 submitters: Uncertain significance (1); Likely benign (1). Last evaluated 2024-05-07.

Conditions:
Oligodontia-cancer predisposition syndrome. Also called: TOOTH AGENESIS-COLORECTAL CANCER SYNDROME. Identifiers: Orphanet 300576, MedGen C1837750, MONDO:0012075, OMIM 608615. Disease mechanism: loss of function.
Hereditary cancer-predisposing syndrome. Also called: Tumor predisposition; Hereditary neoplastic syndrome; Neoplastic Syndromes, Hereditary; Hereditary Cancer Syndrome. Identifiers: Orphanet 140162, MedGen C0027672, MeSH D009386, MONDO:0015356.

gnomAD v4.1: 1 of 1,613,760 alleles (0.000062%); highest among the groups gnomAD compares: Non-Finnish European, 0.000085%; no homozygotes.

Submissions (2):

Labcorp Genetics (formerly Invitae), Labcorp
Classification: Uncertain significance for Oligodontia-cancer predisposition syndrome. Last evaluated: 2024-05-07. Review status: criteria provided, single submitter. Criteria: Invitae Variant Classification Sherloc (09022015). Collection method: clinical testing. Allele origin: germline.
Comment: This sequence change replaces threonine, which is neutral and polar, with alanine, which is neutral and non-polar, at codon 369 of the AXIN2 protein (p.Thr369Ala). This variant is present in population databases (no rsID available, gnomAD 0.0009%). This variant has not been reported in the literature in individuals affected with AXIN2-related conditions. ClinVar contains an entry for this variant (Variation ID: 1498185). Advanced modeling of protein sequence and biophysical properties (such as structural, functional, and spatial information, amino acid conservation, physicochemical variation, residue mobility, and thermodynamic stability) performed at Invitae indicates that this missense variant is not expected to disrupt AXIN2 protein function with a negative predictive value of 80%. In summary, the available evidence is currently insufficient to determine the role of this variant in disease. Therefore, it has been classified as a Variant of Uncertain Significance.

Ambry Genetics
Classification: Likely benign for Hereditary cancer-predisposing syndrome. Last evaluated: 2021-12-11. Review status: criteria provided, single submitter. Criteria: Ambry Variant Classification Scheme 2023. Collection method: clinical testing. Allele origin: germline.

NM_004655.4(AXIN2):c.1105A>G (p.Thr369Ala)

Gene: AXIN2 (axin 2; minus strand). Cytogenetic location: 17q24.1.
Variant type: single nucleotide variant.
Coding change: c.1105A>G on transcript NM_004655.4 (MANE Select); coding-DNA position 1105, A replaced by G.
Protein change: p.Thr369Ala; replaces threonine 369 with alanine.
Molecular consequence: missense variant.
Genome position (GRCh38, 1-based): chr17:65,538,298, T>C on the plus strand (A>G on the coding strand, the complement: AXIN2 is on the minus strand). VCF-style: chr17-65538298-T-C. GRCh37 (hg19) VCF-style: chr17-63534416-T-C.
Other names: c.1105A>G, p.Thr369Ala (NM_001363813.1); short protein forms T369A.
Identifiers: ClinVar variation 1498185 (VCV001498185.10), dbSNP rs759128363, ClinGen allele CA400678460.
Genomic context (GRCh38, chr17:65,538,298, plus strand): 5'-GGCGGCTCTCCAACTCCAGCTTCAGCTTTTCCAGCCTCGAGATCAGCTCAGCTGCAAAGG[T>C]GGCGGGTTCCACGGGGGTCATCTCCTTGGGCAGGCGGTGGGTTCTCTACAGGACGTGGAA-3'
Protein context (NP_004646.3, residues 359-379): PKEMTPVEPA[Thr369Ala]FAAELISRLE